The following is an entry in ClinVar:

NM_001379110.1(SLC9A6):c.1143_1144del (p.Phe382fs)

Gene: SLC9A6 (solute carrier family 9 member A6; plus strand). Cytogenetic location: Xq26.3.
Variant type: Deletion.
Coding change: c.1143_1144del on transcript NM_001379110.1 (MANE Select); coding-DNA positions 1143 to 1144, 2 bases deleted (GT; older notation c.1143_1144delGT).
Protein change: p.Phe382fs; shifts the reading frame from phenylalanine 382.
Molecular consequence: frameshift variant.
Genome position (GRCh38, 1-based): chrX:136,016,707-136,016,708, GT deleted; deleting any 2 consecutive bases within chrX:136,016,706-136,016,708 gives the same sequence; the c. name uses the placement nearest the transcript's 3' end. VCF-style (leftmost placement, unchanged base first): chrX-136016705-CTG-C. GRCh37 (hg19) VCF-style: chrX-135098864-CTG-C.
Other names: c.1299_1300del, p.Phe434fs (NM_001042537.2); c.1143_1144del, p.Phe382fs (NM_001177651.2); c.1047_1048del, p.Phe350fs (NM_001330652.2); c.1203_1204del, p.Phe402fs (NM_006359.3); short protein forms F350fs, F382fs, F402fs, F434fs.
Identifiers: ClinVar variation 418996 (VCV000418996.5), dbSNP rs1064793575, ClinGen allele CA16621205.

ClinVar aggregate classification (germline): Pathogenic/Likely pathogenic. Review status: criteria provided, multiple submitters, no conflicts (2 of 4 stars). 3 submissions from 3 submitters: Pathogenic (1); Likely pathogenic (1). 1 of the submissions does not count toward it. Last evaluated 2015-05-06.

Conditions:
Global developmental delay (DD). Also called: Cognitive delay. Identifiers: MedGen C0557874, HP:0001263. Disease mechanism: loss of function.
Gastrostomy tube feeding in infancy. Identifiers: MedGen C4023342, HP:0011471.
Sleep disturbance. Also called: sleep difficulties. Identifiers: MedGen C0037317, HP:0002360.
Scoliosis. Identifiers: MedGen C0036439, MONDO:0005392, HP:0002650.
Recurrent respiratory infections. Identifiers: MedGen C3806482, HP:0002205.
Seizure. Also called: Seizures. Identifiers: MedGen C0036572, HP:0001250.
Christianson syndrome (MRXSCH). Also called: X-linked mental retardation, syndromic, Christianson type; SLC9A6-Related Syndromic Mental Retardation; INTELLECTUAL DEVELOPMENTAL DISORDER, X-LINKED, SYNDROMIC, CHRISTIANSON TYPE. Identifiers: Orphanet 85278, MedGen C2678194, MONDO:0010278, OMIM 300243.

Submissions (3):

GeneDx
Classification: Pathogenic. Last evaluated: 2015-05-06. Review status: criteria provided, single submitter. Criteria: GeneDx Variant Classification (06012015). Collection method: clinical testing. Allele origin: germline. Affected: yes.
Comment: The c.1203_1204delGT deletion in the SLC9A6 gene causes a frameshift starting with codon Phenylalanine402, changes this amino acid to a Histidine residue and creates a premature Stop codon at position 8 of thenew reading frame, denoted p.Phe402HisfsX8. This deletion is predicted to cause loss of normal proteinfunction either through protein truncation or nonsense-mediated mRNA decay. Although this variant has notbeen previously reported to our knowledge, we interpret it as pathogenic.

CENTOGENE GmbH and LLC - Guiding Precision Medicine
Classification: Likely pathogenic for Christianson syndrome. Review status: criteria provided, single submitter. Criteria: ACMG Guidelines, 2015. Collection method: clinical testing. Allele origin: de novo. Affected: yes.

NIHR Bioresource Rare Diseases, University of Cambridge
Classification: Likely pathogenic for Seizure; Global developmental delay; Recurrent respiratory infections; Sleep disturbance; Scoliosis; Gastrostomy tube feeding in infancy. Review status: no assertion criteria provided. Collection method: research. Allele origin: unknown. Affected: yes. Observed: 1 variant allele. Not counted in ClinVar's aggregate classification.

Literature cited by the submitters: PubMed 32860008 (cited by CENTOGENE GmbH and LLC - Guiding Precision Medicine); PubMed 32581362 (cited by NIHR Bioresource Rare Diseases, University of Cambridge).